The following is an entry in ClinVar:

NM_174936.4(PCSK9):c.399+4A>G

Gene: PCSK9 (proprotein convertase subtilisin/kexin type 9; plus strand). Cytogenetic location: 1p32.3.
Variant type: single nucleotide variant.
Coding change: c.399+4A>G on transcript NM_174936.4 (MANE Select); 4 bases into the intron after coding-DNA position 399, A replaced by G.
Molecular consequence: intron variant.
Genome position (GRCh38, 1-based): chr1:55,044,038, A>G. VCF-style: chr1-55044038-A-G. GRCh37 (hg19) VCF-style: chr1-55509711-A-G.
Identifiers: ClinVar variation 297694 (VCV000297694.52), dbSNP rs376653409, ClinGen allele CA041862.
Genomic context (GRCh38, chr1:55,044,038, plus strand): 5'-TTCCATGGCCTTCTTCCTGGCTTCCTGGTGAAGATGAGTGGCGACCTGCTGGAGCTGGTG[A>G]GCCACCCTTTTTGGGAATGGCACTTCCTGATAGGGCTGGGCCACTGCATATACACTGGGG-3'

ClinVar aggregate classification (germline): Conflicting classifications of pathogenicity. Review status: criteria provided, conflicting classifications (1 of 4 stars). 10 submissions from 9 submitters: Uncertain significance (5); Benign (2); Likely benign (3). Last evaluated 2026-08-01.

Conditions:
Cardiovascular phenotype. Identifiers: MedGen CN230736.
Hypobetalipoproteinemia. Identifiers: Orphanet 31154, MedGen C0020597, MONDO:0017774.
Familial hypercholesterolemia. Also called: Familial hypercholesterolemias; Familial hypercholesterolaemia. Identifiers: MedGen C0020445, MONDO:0005439.
Hypercholesterolemia, autosomal dominant, 3 (FHCL3). Also called: PCSK9-Related Familial Hypercholesterolemia, Autosomal Dominant; Familial hypercholesterolemia 3; Familial Hypercholesterolemia, Autosomal Dominant, 3. Identifiers: MedGen C1863551, MONDO:0011369, OMIM 603776.

Allele frequency attached by ClinVar (database versions not stated): gnomAD exomes 0.00006 and 0.00022; ESP Exome Variant Server 0.00008; ExAC 0.00014; gnomAD 0.00027 and 0.00029; TOPMed 0.00043.
gnomAD v4.1: 130 of 1,613,960 alleles (0.0081%); highest among the groups gnomAD compares: Admixed American, 0.17%; no homozygotes.

Submissions (10):

CeGaT Center for Human Genetics Tuebingen
Classification: Likely benign. Last evaluated: 2026-08-01. Review status: criteria provided, single submitter. Criteria: CeGaT Center For Human Genetics Tuebingen Variant Classification Criteria Version 2. Collection method: clinical testing. Allele origin: germline. Affected: yes. Observed: 11 variant alleles.
Comment: PCSK9: BP4, BS1

Labcorp Genetics (formerly Invitae), Labcorp
Classification: Likely benign for Hypercholesterolemia, autosomal dominant, 3. Last evaluated: 2025-10-01. Review status: criteria provided, single submitter. Criteria: Invitae Variant Classification Sherloc (09022015). Collection method: clinical testing. Allele origin: germline.

All of Us Research Program, National Institutes of Health
Classification: Uncertain significance for Hypercholesterolemia, autosomal dominant, 3. Last evaluated: 2024-09-23. Review status: criteria provided, single submitter. Criteria: ACMG Guidelines, 2015. Collection method: clinical testing. Allele origin: germline. Inheritance: Autosomal dominant inheritance. Observed: 77 variant alleles, 77 heterozygotes.
Comment: This variant causes an A>G nucleotide substitution at the +4 position of intron 2 of the PCSK9 gene. Computational splicing tools are inconclusive regarding the impact of this variant on RNA splicing. To our knowledge, this prediction has not been investigated in published RNA studies. This variant has not been reported in individuals affected with familial hypercholesterolemia in the literature. This variant has been identified in 55/251100 chromosomes (44/34542 Latino chromosomes) in the general population by the Genome Aggregation Database (gnomAD). Although the relatively high frequency of this variant in the general population suggests that this variant is unlikely to be disease-causing, additional studies are necessary to determine the role of this variant in disease conclusively. Therefore, this variant is classified as Variant of Uncertain Significance.

This study involves interpretation of variants in research participants for the purpose of population health screening. Participant phenotype was not available at the time of variant classification. Additional details can be found in publication PMID: 35346344, PMCID: PMC8962531

Color Diagnostics, LLC DBA Color Health
Classification: Uncertain significance for Familial hypercholesterolemia. Last evaluated: 2024-01-22. Review status: criteria provided, single submitter. Criteria: ACMG Guidelines, 2015. Collection method: clinical testing. Allele origin: germline.
Comment: This variant causes an A to G nucleotide substitution at the +4 position of intron 2 of the PCSK9 gene. Splice site prediction tools are inconclusive regarding the impact of this variant on RNA splicing. To our knowledge, this prediction has not been investigated in published RNA studies. This variant has not been reported in individuals affected with PCSK9-related disorders in the literature. This variant has been identified in 55/251100 (44/34542 Latino chromosomes) in the general population by the Genome Aggregation Database (gnomAD). Although the relatively high frequency of this variant in the general population suggests that this variant is unlikely to be disease-causing, additional studies are necessary to determine the role of this variant in disease conclusively. Therefore, this variant is classified as Variant of Uncertain Significance.

Women's Health and Genetics/Laboratory Corporation of America, LabCorp
Classification: Benign. Last evaluated: 2023-08-07. Review status: criteria provided, single submitter. Criteria: LabCorp Variant Classification Summary - May 2015. Collection method: clinical testing. Allele origin: germline.

Ambry Genetics
Classification: Likely benign for Cardiovascular phenotype. Last evaluated: 2022-06-23. Review status: criteria provided, single submitter. Criteria: Ambry Variant Classification Scheme 2023. Collection method: clinical testing. Allele origin: germline.

Quest Diagnostics Nichols Institute San Juan Capistrano
Classification: Benign. Last evaluated: 2019-11-10. Review status: criteria provided, single submitter. Criteria: Quest Diagnostics criteria. Collection method: clinical testing. Allele origin: unknown.

GeneDx
Classification: Uncertain significance. Last evaluated: 2019-04-29. Review status: criteria provided, single submitter. Criteria: GeneDx Variant Classification Process June 2021. Collection method: clinical testing. Allele origin: germline. Affected: yes.
Comment: In silico analysis, which includes splice predictors and evolutionary conservation, supports a deleterious effect; Has not been previously published as pathogenic or benign to our knowledge; Reported in ClinVar as a variant of uncertain significance and a likely benign variant, but additional evidence is not available (ClinVar Variant ID 297694; Landrum et al., 2016); In the absence of mRNA/functional studies, the effect of this sequence change is unknown

Illumina Laboratory Services, Illumina
Classification: Uncertain significance for Hypobetalipoproteinemia. Last evaluated: 2018-01-13. Review status: criteria provided, single submitter. Criteria: ICSL Variant Classification Criteria 13 December 2019. Collection method: clinical testing. Allele origin: germline.

Illumina Laboratory Services, Illumina
Classification: Uncertain significance for Hypercholesterolemia, autosomal dominant, 3. Last evaluated: 2018-01-13. Review status: criteria provided, single submitter. Criteria: ICSL Variant Classification Criteria 13 December 2019. Collection method: clinical testing. Allele origin: germline.